The following is an entry in ClinVar:

NM_012082.4(ZFPM2):c.993del (p.Gly332fs)

Genes: ZFPM2-AS1 (ZFPM2 antisense RNA 1; minus strand), ZFPM2 (zinc finger protein, FOG family member 2; plus strand). Cytogenetic location: 8q23.1.
Variant type: Deletion.
Coding change: c.993del on transcript NM_012082.4 (MANE Select); coding-DNA position 993, one base deleted (T; older notation c.993delT).
Protein change: p.Gly332fs; shifts the reading frame from glycine 332.
Molecular consequence: frameshift variant.
Genome position (GRCh38, 1-based): chr8:105,801,075, T deleted. VCF-style (leftmost placement, unchanged base first): chr8-105801074-CT-C. GRCh37 (hg19) VCF-style: chr8-106813302-CT-C.
Other names: c.834del, p.Gly279fs (NM_001362836.2); c.597del, p.Gly200fs (NM_001362837.2); short protein forms G200fs, G332fs, G279fs.
Identifiers: ClinVar variation 817324 (VCV000817324.1), dbSNP rs1586283040, ClinGen allele CA915948865.

ClinVar aggregate classification (germline): Likely pathogenic (1 of 4 stars; one submission).

Submission:

GeneDx
Classification: Likely pathogenic. Last evaluated: 2019-07-12. Review status: criteria provided, single submitter. Criteria: GeneDx Variant Classification (06012015). Collection method: clinical testing. Allele origin: germline. Affected: yes.
Comment: The c.993delT variant in the ZFPM2 gene has not been reported previously as a pathogenic variant nor as a benign variant, to our knowledge. The c.993delT variant causes a frameshift starting with codon Glycine 332, changes this amino acid to a Valine residue, and creates a premature Stop codon at position 4 of the new reading frame, denoted p.Gly332ValfsX4. This variant is predicted to cause loss of normal protein function through protein truncation. The c.993delT variant is not observed in large population cohorts (Lek et al., 2016). We interpret c.993delT as a likely pathogenic variant